The following is an entry in ClinVar:

ClinVar aggregate classification (germline): Conflicting classifications of pathogenicity. Review status: criteria provided, conflicting classifications (1 of 4 stars). 2 submissions from 2 submitters: Uncertain significance (1); Likely benign (1). Last evaluated 2026-01-24.

Conditions:
Familial hypocalciuric hypercalcemia (FHH). Also called: Familial benign hypercalcemia. Identifiers: Orphanet 405, MedGen C1809471, MONDO:0018458.
Autosomal dominant hypocalcemia 1 (HYPOC1). Also called: HYPOCALCEMIA, FAMILIAL. Identifiers: MedGen C3715128, MONDO:0011013, OMIM 601198.
Nephrolithiasis/nephrocalcinosis. Identifiers: MedGen CN580796.

Allele frequency attached by ClinVar (database versions not stated): gnomAD exomes below 0.00001 and 0.00001; TOPMed below 0.00001; ExAC 0.00002.
gnomAD v4.1: 8 of 1,614,210 alleles (0.0005%); highest among the groups gnomAD compares: East Asian, 0.0022%; no homozygotes.

Submissions (2):

Labcorp Genetics (formerly Invitae), Labcorp
Classification: Likely benign for Familial hypocalciuric hypercalcemia; Autosomal dominant hypocalcemia 1. Last evaluated: 2026-01-24. Review status: criteria provided, single submitter. Criteria: Invitae Variant Classification Sherloc (09022015). Collection method: clinical testing. Allele origin: germline.

Ambry Genetics
Classification: Uncertain significance for Nephrolithiasis/nephrocalcinosis. Last evaluated: 2023-11-19. Review status: criteria provided, single submitter. Criteria: Ambry Variant Classification Scheme 2023. Collection method: clinical testing. Allele origin: germline.
Comment: The p.P1035S variant (also known as c.3103C>T), located in coding exon 6 of the CASR gene, results from a C to T substitution at nucleotide position 3103. The proline at codon 1035 is replaced by serine, an amino acid with similar properties. This amino acid position is not well conserved in available vertebrate species. In addition, this alteration is predicted to be tolerated by in silico analysis. Since supporting evidence is limited at this time, the clinical significance of this alteration remains unclear.

NM_000388.4(CASR):c.3103C>T (p.Pro1035Ser)

Gene: CASR (calcium sensing receptor; plus strand). Cytogenetic location: 3q21.1.
Variant type: single nucleotide variant.
Coding change: c.3103C>T on transcript NM_000388.4 (MANE Select); coding-DNA position 3103, C replaced by T.
Protein change: p.Pro1035Ser; replaces proline 1035 with serine.
Molecular consequence: missense variant.
Genome position (GRCh38, 1-based): chr3:122,285,057, C>T. VCF-style: chr3-122285057-C-T. GRCh37 (hg19) VCF-style: chr3-122003904-C-T.
Other names: c.3133C>T, p.Pro1045Ser (NM_001178065.2); short protein forms P1035S, P1045S.
Identifiers: ClinVar variation 575649 (VCV000575649.14), dbSNP rs762383457, ClinGen allele CA2569932.